The following is an entry in ClinVar:

NM_032447.5(FBN3):c.2104C>T (p.Arg702Trp)

Gene: FBN3 (fibrillin 3; minus strand). Cytogenetic location: 19p13.2.
Variant type: single nucleotide variant.
Coding change: c.2104C>T on transcript NM_032447.5 (MANE Select); coding-DNA position 2104, C replaced by T.
Protein change: p.Arg702Trp; replaces arginine 702 with tryptophan.
Molecular consequence: missense variant.
Genome position (GRCh38, 1-based): chr19:8,129,306, G>A on the plus strand (C>T on the coding strand, the complement: FBN3 is on the minus strand). VCF-style: chr19-8129306-G-A. GRCh37 (hg19) VCF-style: chr19-8194190-G-A.
Other names: c.2104C>T (NM_032447.3); c.2104C>T, p.Arg702Trp (NM_001321431.2); short protein forms R702W.
Identifiers: ClinVar variation 2175073 (VCV002175073.5), dbSNP rs150195254, ClinGen allele CA9153019.

ClinVar aggregate classification (germline): Uncertain significance. Review status: criteria provided, multiple submitters, no conflicts (2 of 4 stars). 2 submissions from 2 submitters: Uncertain significance (2). Last evaluated 2025-09-25.

Allele frequency attached by ClinVar (database versions not stated): ExAC 0.00003; ESP Exome Variant Server 0.00008; TOPMed 0.00010; gnomAD 0.00011.
gnomAD v4.1: 153 of 1,614,046 alleles (0.0095%); highest among the groups gnomAD compares: Non-Finnish European, 0.012%; no homozygotes.

Submissions (2):

Labcorp Genetics (formerly Invitae), Labcorp
Classification: Uncertain significance. Last evaluated: 2025-09-25. Review status: criteria provided, single submitter. Criteria: Invitae Variant Classification Sherloc (09022015). Collection method: clinical testing. Allele origin: germline.
Comment: This sequence change replaces arginine, which is basic and polar, with tryptophan, which is neutral and slightly polar, at codon 702 of the FBN3 protein (p.Arg702Trp). This variant is present in population databases (rs150195254, gnomAD 0.008%). This variant has not been reported in the literature in individuals affected with FBN3-related conditions. ClinVar contains an entry for this variant (Variation ID: 2175073). Invitae Evidence Modeling of protein sequence and biophysical properties (such as structural, functional, and spatial information, amino acid conservation, physicochemical variation, residue mobility, and thermodynamic stability) indicates that this missense variant is not expected to disrupt FBN3 protein function with a negative predictive value of 80%. In summary, the available evidence is currently insufficient to determine the role of this variant in disease. Therefore, it has been classified as a Variant of Uncertain Significance.

Ambry Genetics
Classification: Uncertain significance. Last evaluated: 2021-07-09. Review status: criteria provided, single submitter. Criteria: Ambry Variant Classification Scheme 2023. Collection method: clinical testing. Allele origin: germline.